The following is an entry in ClinVar:

NM_001848.3(COL6A1):c.2098G>A (p.Gly700Ser)

Gene: COL6A1 (collagen type VI alpha 1 chain; plus strand). Cytogenetic location: 21q22.3.
Variant type: single nucleotide variant.
Coding change: c.2098G>A on transcript NM_001848.3 (MANE Select); coding-DNA position 2098, G replaced by A.
Protein change: p.Gly700Ser; replaces glycine 700 with serine.
Molecular consequence: missense variant.
Genome position (GRCh38, 1-based): chr21:46,002,249, G>A. VCF-style: chr21-46002249-G-A. GRCh37 (hg19) VCF-style: chr21-47422163-G-A.
Other names: short protein forms G700S.
Identifiers: ClinVar variation 4748149 (VCV004748149.2).

ClinVar aggregate classification (germline): Conflicting classifications of pathogenicity. Review status: criteria provided, conflicting classifications (1 of 4 stars). 2 submissions from 2 submitters: Uncertain significance (1); Benign (1). Last evaluated 2026-03-06.

Conditions:
Bethlem myopathy 1A. Also called: MYOPATHY, BENIGN CONGENITAL, WITH CONTRACTURES; Bethlem myopathy 1; Bethlem Muscular Dystrophy. Identifiers: Orphanet 610, MedGen CN029274, MONDO:0024530, OMIM 158810.

gnomAD v4.1: 10 of 1,602,520 alleles (0.00062%); highest among the groups gnomAD compares: Admixed American, 0.0068%; no homozygotes.

Submissions (2):

GeneDx
Classification: Uncertain significance. Last evaluated: 2026-03-06. Review status: criteria provided, single submitter. Criteria: GeneDx Variant Classification Process June 2021. Collection method: clinical testing. Allele origin: germline.
Comment: In silico analysis supports that this missense variant has a deleterious effect on protein structure/function; Has not been previously published as pathogenic or benign to our knowledge

Labcorp Genetics (formerly Invitae), Labcorp
Classification: Benign for Bethlem myopathy 1A. Last evaluated: 2025-10-09. Review status: criteria provided, single submitter. Criteria: Invitae Variant Classification Sherloc (09022015). Collection method: clinical testing. Allele origin: germline.